The following is an entry in ClinVar:

ClinVar aggregate classification (germline): Uncertain significance (1 of 4 stars; one submission).

gnomAD v4.1: 4 of 1,613,156 alleles (0.00025%); highest among the groups gnomAD compares: Non-Finnish European, 0.00025%; no homozygotes.

Submission:

Labcorp Genetics (formerly Invitae), Labcorp
Classification: Uncertain significance. Last evaluated: 2024-05-26. Review status: criteria provided, single submitter. Criteria: Invitae Variant Classification Sherloc (09022015). Collection method: clinical testing. Allele origin: germline.
Comment: This sequence change replaces alanine, which is neutral and non-polar, with valine, which is neutral and non-polar, at codon 163 of the DSG1 protein (p.Ala163Val). This variant is present in population databases (no rsID available, gnomAD 0.0009%). This variant has not been reported in the literature in individuals affected with DSG1-related conditions. Advanced modeling of protein sequence and biophysical properties (such as structural, functional, and spatial information, amino acid conservation, physicochemical variation, residue mobility, and thermodynamic stability) performed at Invitae indicates that this missense variant is not expected to disrupt DSG1 protein function with a negative predictive value of 80%. In summary, the available evidence is currently insufficient to determine the role of this variant in disease. Therefore, it has been classified as a Variant of Uncertain Significance.

NM_001942.4(DSG1):c.488C>T (p.Ala163Val)

Gene: DSG1 (desmoglein 1; plus strand). Cytogenetic location: 18q12.1.
Variant type: single nucleotide variant.
Coding change: c.488C>T on transcript NM_001942.4 (MANE Select); coding-DNA position 488, C replaced by T.
Protein change: p.Ala163Val; replaces alanine 163 with valine.
Molecular consequence: missense variant.
Genome position (GRCh38, 1-based): chr18:31,330,007, C>T. VCF-style: chr18-31330007-C-T. GRCh37 (hg19) VCF-style: chr18-28909970-C-T.
Other names: short protein forms A163V.
Identifiers: ClinVar variation 3710615 (VCV003710615.2).
Genomic context (GRCh38, chr18:31,330,007, plus strand): 5'-TCAGAGTCAGGGTTTTGGATATAAATGACAACCCTCCAGTGTTTTCAATGGCTACATTTG[C>T]AGGACAAATAGAAGAAAATTCTAATGCAAGTAAGTAATGTAGTGGCTTCCAAATCACTCC-3'
Protein context (NP_001933.2, residues 153-173): NPPVFSMATF[Ala163Val]GQIEENSNAN